The following is an entry in ClinVar:

NM_020911.2(PLXNA4):c.2739-10C>T

Gene: PLXNA4 (plexin A4; minus strand). Cytogenetic location: 7q32.3.
Variant type: single nucleotide variant.
Coding change: c.2739-10C>T on transcript NM_020911.2 (MANE Select); 10 bases into the intron before coding-DNA position 2739, C replaced by T.
Molecular consequence: intron variant.
Genome position (GRCh38, 1-based): chr7:132,194,189, G>A on the plus strand (C>T on the coding strand, the complement: PLXNA4 is on the minus strand). VCF-style: chr7-132194189-G-A. GRCh37 (hg19) VCF-style: chr7-131878948-G-A.
Other names: c.2739-10C>T (NM_001393897.1).
Identifiers: ClinVar variation 3046277 (VCV003046277.2), dbSNP rs367544238, ClinGen allele CA4489704.

ClinVar aggregate classification (germline): Likely benign (0 of 4 stars; one submission).

Conditions:
PLXNA4-related disorder. Also called: PLXNA4-related condition.

Allele frequency attached by ClinVar (database versions not stated): gnomAD exomes 0.00007; ExAC 0.00026; ESP Exome Variant Server 0.00040; gnomAD 0.00084; TOPMed 0.00088; 1000 Genomes Project 30x 0.00109; 1000 Genomes Project 0.00120.
gnomAD v4.1: 234 of 1,609,818 alleles (0.015%); highest among the groups gnomAD compares: African/African-American, 0.27%; no homozygotes.

Submission:

PreventionGenetics, part of Exact Sciences
Classification: Likely benign for PLXNA4-related condition. Last evaluated: 2021-05-28. Review status: no assertion criteria provided. Collection method: clinical testing. Allele origin: germline.
Comment: This variant is classified as likely benign based on ACMG/AMP sequence variant interpretation guidelines (Richards et al. 2015 PMID: 25741868, with internal and published modifications).